The following is an entry in ClinVar:

NM_000268.4(NF2):c.1548G>T (p.Arg516=)

Gene: NF2 (NF2, moesin-ezrin-radixin like (MERLIN) tumor suppressor; plus strand). Cytogenetic location: 22q12.2.
Variant type: single nucleotide variant.
Coding change: c.1548G>T on transcript NM_000268.4 (MANE Select); coding-DNA position 1548, G replaced by T.
Protein change: p.Arg516=; no amino-acid change (arginine 516 retained).
Molecular consequence: synonymous variant. On other transcripts: non-coding transcript variant (1), intron variant (1).
Genome position (GRCh38, 1-based): chr22:29,678,297, G>T. VCF-style: chr22-29678297-G-T. GRCh37 (hg19) VCF-style: chr22-30074286-G-T.
Other names: c.1548G>T, p.Arg516= (NM_016418.5, NM_181825.3, NM_181832.3); c.1422G>T, p.Arg474= (NM_181828.3); c.1425G>T, p.Arg475= (NM_181829.3); c.1299G>T, p.Arg433= (NM_181830.3, NM_181831.3); c.448-16455G>T (NM_181833.3).
Identifiers: ClinVar variation 417151 (VCV000417151.16), dbSNP rs534398531, ClinGen allele CA031908.

ClinVar aggregate classification (germline): Likely benign. Review status: criteria provided, multiple submitters, no conflicts (2 of 4 stars). 4 submissions from 4 submitters: Likely benign (4). Last evaluated 2026-07-01.

Conditions:
Hereditary cancer-predisposing syndrome. Also called: Hereditary neoplastic syndrome; Neoplastic Syndromes, Hereditary; Hereditary Cancer Syndrome; Tumor predisposition. Identifiers: Orphanet 140162, MedGen C0027672, MeSH D009386, MONDO:0015356.
Neurofibromatosis, type 2 (SWNV). Also called: SCHWANNOMATOSIS, VESTIBULAR; NF2-Related Schwannomatosis; BILATERAL ACOUSTIC NEUROFIBROMATOSIS. Identifiers: Orphanet 637, MedGen C0027832, MONDO:0007039, OMIM 101000. Disease mechanism: loss of function.

Allele frequency attached by ClinVar (database versions not stated): gnomAD exomes below 0.00001; ExAC 0.00001; gnomAD 0.00001; TOPMed 0.00001; 1000 Genomes Project 0.00020.
gnomAD v4.1: 3 of 1,614,022 alleles (0.00019%); highest among the groups gnomAD compares: Admixed American, 0.0033%; no homozygotes.

Submissions (4):

CeGaT Center for Human Genetics Tuebingen
Classification: Likely benign. Last evaluated: 2026-07-01. Review status: criteria provided, single submitter. Criteria: CeGaT Center For Human Genetics Tuebingen Variant Classification Criteria Version 2. Collection method: clinical testing. Allele origin: germline. Affected: yes. Observed: 1 variant allele.
Comment: NF2: BP4, BP7

Labcorp Genetics (formerly Invitae), Labcorp
Classification: Likely benign for Neurofibromatosis, type 2. Last evaluated: 2025-12-13. Review status: criteria provided, single submitter. Criteria: Invitae Variant Classification Sherloc (09022015). Collection method: clinical testing. Allele origin: germline.

All of Us Research Program, National Institutes of Health
Classification: Likely benign for Neurofibromatosis, type 2. Last evaluated: 2023-02-24. Review status: criteria provided, single submitter. Criteria: ACMG Guidelines, 2015. Collection method: clinical testing. Allele origin: germline. Inheritance: Autosomal dominant inheritance. Observed: 1 variant allele, 1 heterozygote.
Comment: This study involves interpretation of variants in research participants for the purpose of population health screening. Participant phenotype was not available at the time of variant classification. Additional details can be found in publication PMID: 35346344, PMCID: PMC8962531

Ambry Genetics
Classification: Likely benign for Hereditary cancer-predisposing syndrome. Last evaluated: 2021-06-16. Review status: criteria provided, single submitter. Criteria: Ambry Variant Classification Scheme 2023. Collection method: clinical testing. Allele origin: germline.